The following is an entry in ClinVar:

NM_000218.3(KCNQ1):c.1375G>T (p.Asp459Tyr)

Gene: KCNQ1 (potassium voltage-gated channel subfamily Q member 1; plus strand). Cytogenetic location: 11p15.5.
Variant type: single nucleotide variant.
Coding change: c.1375G>T on transcript NM_000218.3 (MANE Select); coding-DNA position 1375, G replaced by T.
Protein change: p.Asp459Tyr; replaces aspartic acid 459 with tyrosine.
Molecular consequence: missense variant.
Genome position (GRCh38, 1-based): chr11:2,588,836, G>T. VCF-style: chr11-2588836-G-T. GRCh37 (hg19) VCF-style: chr11-2610066-G-T.
Other names: c.1279G>T, p.Asp427Tyr (NM_001406836.1); c.1105G>T, p.Asp369Tyr (NM_001406837.1); c.835G>T, p.Asp279Tyr (NM_001406838.1); c.994G>T, p.Asp332Tyr (NM_181798.2); short protein forms D459Y, D332Y, D369Y, D427Y, D279Y.
Identifiers: ClinVar variation 2788096 (VCV002788096.3), dbSNP rs747704276, ClinGen allele CA379135159.
Genomic context (GRCh38, chr11:2,588,836, plus strand): 5'-ACAGTCCCCCATATCACGTGCGACCCCCCAGAAGAGCGGCGGCTGGACCACTTCTCTGTC[G>T]ACGGCTATGACAGTTCTGGTGAGAACCCCTCAGGCAGTTGGGGGCCGCGGGGCCGGGAAG-3'
Protein context (NP_000209.2, residues 449-469): EERRLDHFSV[Asp459Tyr]GYDSSVRKSP

ClinVar aggregate classification (germline): Uncertain significance (1 of 4 stars; one submission).

Conditions:
Long QT syndrome (LQTS). Identifiers: MedGen C0023976, MeSH D008133, MONDO:0002442. Disease mechanism: loss of function. Inheritance: Various modes of inheritance.

Submission:

Labcorp Genetics (formerly Invitae), Labcorp
Classification: Uncertain significance for Long QT syndrome. Last evaluated: 2023-11-27. Review status: criteria provided, single submitter. Criteria: Invitae Variant Classification Sherloc (09022015). Collection method: clinical testing. Allele origin: germline.
Comment: This sequence change replaces aspartic acid, which is acidic and polar, with tyrosine, which is neutral and polar, at codon 459 of the KCNQ1 protein (p.Asp459Tyr). This variant is not present in population databases (gnomAD no frequency). This variant has not been reported in the literature in individuals affected with KCNQ1-related conditions. Advanced modeling of protein sequence and biophysical properties (such as structural, functional, and spatial information, amino acid conservation, physicochemical variation, residue mobility, and thermodynamic stability) has been performed at Invitae for this missense variant, however the output from this modeling did not meet the statistical confidence thresholds required to predict the impact of this variant on KCNQ1 protein function. In summary, the available evidence is currently insufficient to determine the role of this variant in disease. Therefore, it has been classified as a Variant of Uncertain Significance.